The following is an entry in ClinVar:

ClinVar aggregate classification (germline): Uncertain significance (1 of 4 stars; one submission).

Allele frequency attached by ClinVar (database versions not stated): gnomAD exomes below 0.00001.
gnomAD v4.1: 1 of 1,608,070 alleles (0.000062%); highest among the groups gnomAD compares: Admixed American, 0.0017%; no homozygotes.

Submission:

Labcorp Genetics (formerly Invitae), Labcorp
Classification: Uncertain significance. Last evaluated: 2023-02-27. Review status: criteria provided, single submitter. Criteria: Invitae Variant Classification Sherloc (09022015). Collection method: clinical testing. Allele origin: germline.
Comment: Algorithms developed to predict the effect of sequence changes on RNA splicing suggest that this variant may create or strengthen a splice site. In summary, the available evidence is currently insufficient to determine the role of this variant in disease. Therefore, it has been classified as a Variant of Uncertain Significance. This variant has not been reported in the literature in individuals affected with AUTS2-related conditions. This variant is present in population databases (no rsID available, gnomAD 0.003%). This sequence change affects codon 571 of the AUTS2 mRNA. It is a 'silent' change, meaning that it does not change the encoded amino acid sequence of the AUTS2 protein.

NM_015570.4(AUTS2):c.1713T>G (p.Val571=)

Gene: AUTS2 (activator of transcription and developmental regulator AUTS2; plus strand). Cytogenetic location: 7q11.22.
Variant type: single nucleotide variant.
Coding change: c.1713T>G on transcript NM_015570.4 (MANE Select); coding-DNA position 1713, T replaced by G.
Protein change: p.Val571=; no amino-acid change (valine 571 retained).
Molecular consequence: synonymous variant.
Genome position (GRCh38, 1-based): chr7:70,768,047, T>G. VCF-style: chr7-70768047-T-G. GRCh37 (hg19) VCF-style: chr7-70233033-T-G.
Other names: c.1713T>G, p.Val571= (NM_001127231.3).
Identifiers: ClinVar variation 2801306 (VCV002801306.3), dbSNP rs1432032864, ClinGen allele CA455802796.